The following is an entry in ClinVar:

NM_000535.7(PMS2):c.210C>G (p.Asp70Glu)

Gene: PMS2 (PMS1 homolog 2, mismatch repair system component; minus strand). Cytogenetic location: 7p22.1.
Variant type: single nucleotide variant.
Coding change: c.210C>G on transcript NM_000535.7 (MANE Select); coding-DNA position 210, C replaced by G.
Protein change: p.Asp70Glu; replaces aspartic acid 70 with glutamic acid.
Molecular consequence: missense variant. On other transcripts: 5 prime UTR variant (11), non-coding transcript variant (1).
Genome position (GRCh38, 1-based): chr7:6,004,012, G>C on the plus strand (C>G on the coding strand, the complement: PMS2 is on the minus strand). VCF-style: chr7-6004012-G-C. GRCh37 (hg19) VCF-style: chr7-6043643-G-C.
Other names: p.Asp70Glu; c.-196C>G (NM_001322003.2, NM_001322004.2, NM_001322005.2 and 3 more transcripts); c.210C>G, p.Asp70Glu (NM_001322006.2, NM_001322014.2); c.-6C>G (NM_001322007.2, NM_001322008.2); c.-675C>G (NM_001322011.2, NM_001322012.2); c.-275C>G (NM_001322015.2); short protein forms D70E.
Identifiers: ClinVar variation 484285 (VCV000484285.24), dbSNP rs1554304997, ClinGen allele CA366744843.

ClinVar aggregate classification (germline): Uncertain significance. Review status: criteria provided, multiple submitters, no conflicts (2 of 4 stars). 6 submissions from 6 submitters: Uncertain significance (5). 1 of the submissions does not count toward it. Last evaluated 2026-03-18.

Conditions:
Hereditary nonpolyposis colorectal neoplasms. Identifiers: MedGen C0009405, MeSH D003123.
Hereditary cancer-predisposing syndrome. Also called: Tumor predisposition; Hereditary neoplastic syndrome; Neoplastic Syndromes, Hereditary; Hereditary Cancer Syndrome. Identifiers: Orphanet 140162, MedGen C0027672, MeSH D009386, MONDO:0015356.
PMS2-related disorder. Also called: PMS2-related condition.
Lynch syndrome. Identifiers: Orphanet 144, MedGen C4552100, MONDO:0005835. Disease mechanism: loss of function.

Allele frequency attached by ClinVar (database versions not stated): gnomAD exomes below 0.00001.
gnomAD v4.1: 1 of 1,605,130 alleles (0.000062%); highest among the groups gnomAD compares: Non-Finnish European, 0.000085%; no homozygotes.

Submissions (6):

Ambry Genetics
Classification: Uncertain significance for Hereditary cancer-predisposing syndrome. Last evaluated: 2026-03-18. Review status: criteria provided, single submitter. Criteria: Ambry Variant Classification Scheme 2023. Collection method: clinical testing. Allele origin: germline.
Comment: The p.D70E variant (also known as c.210C>G), located in coding exon 3 of the PMS2 gene, results from a C to G substitution at nucleotide position 210. The aspartic acid at codon 70 is replaced by glutamic acid, an amino acid with highly similar properties. This amino acid position is highly conserved in available vertebrate species. In addition, this alteration is predicted to be deleterious by in silico analysis. Based on the available evidence, the clinical significance of this variant remains unclear.

Labcorp Genetics (formerly Invitae), Labcorp
Classification: Uncertain significance for Hereditary nonpolyposis colorectal neoplasms. Last evaluated: 2025-10-05. Review status: criteria provided, single submitter. Criteria: Invitae Variant Classification Sherloc (09022015). Collection method: clinical testing. Allele origin: germline.
Comment: This sequence change replaces aspartic acid, which is acidic and polar, with glutamic acid, which is acidic and polar, at codon 70 of the PMS2 protein (p.Asp70Glu). This variant is not present in population databases (gnomAD no frequency). This variant has not been reported in the literature in individuals affected with PMS2-related conditions. ClinVar contains an entry for this variant (Variation ID: 484285). Invitae Evidence Modeling incorporating data from in vitro experimental studies (internal data) indicates that this missense variant is expected to disrupt PMS2 function with a positive predictive value of 95%. In summary, the available evidence is currently insufficient to determine the role of this variant in disease. Therefore, it has been classified as a Variant of Uncertain Significance.

Mayo Clinic Laboratories, Mayo Clinic
Classification: Uncertain significance. Last evaluated: 2024-07-23. Review status: criteria provided, single submitter. Criteria: ACMG Guidelines, 2015. Collection method: clinical testing. Allele origin: germline. Observed: 1 variant allele.
Comment: PP3, PM2

Color Diagnostics, LLC DBA Color Health
Classification: Uncertain significance for Hereditary cancer-predisposing syndrome. Last evaluated: 2023-12-05. Review status: criteria provided, single submitter. Criteria: ACMG Guidelines, 2015. Collection method: clinical testing. Allele origin: germline.
Comment: This missense variant replaces aspartic acid with glutamic acid at codon 70 of the PMS2 protein. Computational prediction tools and conservation analyses are inconclusive regarding the impact of this variant on protein structure and function. Splice site prediction tools suggest that this variant may not impact RNA splicing. To our knowledge, functional studies have not been performed for this variant. This variant has not been reported in individuals affected with hereditary cancer in the literature. This variant has not been identified in the general population by the Genome Aggregation Database (gnomAD). The available evidence is insufficient to determine the role of this variant in disease conclusively. Therefore, this variant is classified as a Variant of Uncertain Significance.

All of Us Research Program, National Institutes of Health
Classification: Uncertain significance for Lynch syndrome. Last evaluated: 2022-12-16. Review status: criteria provided, single submitter. Criteria: ACMG Guidelines, 2015. Collection method: clinical testing. Allele origin: germline. Inheritance: Autosomal dominant inheritance. Observed: 1 variant allele, 1 heterozygote.
Comment: This missense variant replaces aspartic acid with glutamic acid at codon 70 of the PMS2 protein. Computational prediction tools and conservation analyses are inconclusive regarding the impact of this variant on protein structure and function. Splice site prediction tools suggest that this variant may not impact RNA splicing. To our knowledge, functional studies have not been performed for this variant. This variant has not been reported in individuals affected with hereditary cancer in the literature. This variant has not been identified in the general population by the Genome Aggregation Database (gnomAD). The available evidence is insufficient to determine the role of this variant in disease conclusively. Therefore, this variant is classified as a Variant of Uncertain Significance.

This study involves interpretation of variants in research participants for the purpose of population health screening. Participant phenotype was not available at the time of variant classification. Additional details can be found in publication PMID: 35346344, PMCID: PMC8962531

PreventionGenetics, part of Exact Sciences
Classification: Uncertain significance for PMS2-related condition. Last evaluated: 2024-08-15. Review status: no assertion criteria provided. Collection method: clinical testing. Allele origin: germline. Not counted in ClinVar's aggregate classification.
Comment: The PMS2 c.210C>G variant is predicted to result in the amino acid substitution p.Asp70Glu. To our knowledge, this variant has not been reported in the literature or in gnomAD, indicating this variant is rare. This variant is classified as a variant of uncertain significance in ClinVar. At this time, the clinical significance of this variant is uncertain due to the absence of conclusive functional and genetic evidence.